The following is an entry in ClinVar:

ClinVar aggregate classification (germline): Uncertain significance (1 of 4 stars; one submission).

Allele frequency attached by ClinVar (database versions not stated): gnomAD exomes below 0.00001; ExAC 0.00001.

Submission:

Labcorp Genetics (formerly Invitae), Labcorp
Classification: Uncertain significance. Last evaluated: 2022-08-10. Review status: criteria provided, single submitter. Criteria: Invitae Variant Classification Sherloc (09022015). Collection method: clinical testing. Allele origin: germline.
Comment: In summary, the available evidence is currently insufficient to determine the role of this variant in disease. Therefore, it has been classified as a Variant of Uncertain Significance. Algorithms developed to predict the effect of missense changes on protein structure and function are either unavailable or do not agree on the potential impact of this missense change (SIFT: "Tolerated"; PolyPhen-2: "Possibly Damaging"; Align-GVGD: "Class C0"). ClinVar contains an entry for this variant (Variation ID: 1438276). This variant has not been reported in the literature in individuals affected with SZT2-related conditions. This variant is present in population databases (rs771744927, gnomAD 0.003%). This sequence change replaces alanine, which is neutral and non-polar, with valine, which is neutral and non-polar, at codon 2569 of the SZT2 protein (p.Ala2569Val).

NM_001365999.1(SZT2):c.7877C>T (p.Ala2626Val)

Gene: SZT2 (SZT2 subunit of KICSTOR complex; plus strand). Cytogenetic location: 1p34.2.
Variant type: single nucleotide variant.
Coding change: c.7877C>T on transcript NM_001365999.1 (MANE Select); coding-DNA position 7877, C replaced by T.
Protein change: p.Ala2626Val; replaces alanine 2626 with valine.
Molecular consequence: missense variant.
Genome position (GRCh38, 1-based): chr1:43,442,271, C>T. VCF-style: chr1-43442271-C-T. GRCh37 (hg19) VCF-style: chr1-43907942-C-T.
Other names: c.7706C>T, p.Ala2569Val (NM_015284.4); short protein forms A2569V, A2626V.
Identifiers: ClinVar variation 1438276 (VCV001438276.6), dbSNP rs771744927, ClinGen allele CA810397.